The following is an entry in ClinVar:

NM_138576.4(BCL11B):c.94G>A (p.Glu32Lys)

Gene: BCL11B (BCL11 transcription factor B; minus strand). Cytogenetic location: 14q32.2.
Variant type: single nucleotide variant.
Coding change: c.94G>A on transcript NM_138576.4 (MANE Select); coding-DNA position 94, G replaced by A.
Protein change: p.Glu32Lys; replaces glutamic acid 32 with lysine.
Molecular consequence: missense variant.
Genome position (GRCh38, 1-based): chr14:99,257,804, C>T on the plus strand (G>A on the coding strand, the complement: BCL11B is on the minus strand). VCF-style: chr14-99257804-C-T. GRCh37 (hg19) VCF-style: chr14-99724141-C-T.
Other names: c.91G>A, p.Glu31Lys (NM_001282237.2, NM_001282238.2); c.94G>A, p.Glu32Lys (NM_022898.3); short protein forms E31K, E32K.
Identifiers: ClinVar variation 4769753 (VCV004769753.1).

ClinVar aggregate classification (germline): Uncertain significance (1 of 4 stars; one submission).

Submission:

Labcorp Genetics (formerly Invitae), Labcorp
Classification: Uncertain significance. Last evaluated: 2025-10-09. Review status: criteria provided, single submitter. Criteria: Invitae Variant Classification Sherloc (09022015). Collection method: clinical testing. Allele origin: germline.
Comment: This sequence change replaces glutamic acid, which is acidic and polar, with lysine, which is basic and polar, at codon 32 of the BCL11B protein (p.Glu32Lys). This variant is not present in population databases (gnomAD no frequency). This variant has not been reported in the literature in individuals affected with BCL11B-related conditions. Invitae Evidence Modeling of protein sequence and biophysical properties (such as structural, functional, and spatial information, amino acid conservation, physicochemical variation, residue mobility, and thermodynamic stability) indicates that this missense variant is not expected to disrupt BCL11B protein function with a negative predictive value of 95%. In summary, the available evidence is currently insufficient to determine the role of this variant in disease. Therefore, it has been classified as a Variant of Uncertain Significance.